The following is an entry in ClinVar:

ClinVar aggregate classification (germline): Pathogenic/Likely pathogenic. Review status: criteria provided, multiple submitters, no conflicts (2 of 4 stars). 7 submissions from 7 submitters: Pathogenic (5); Likely pathogenic (1). 1 of the submissions does not count toward it. Last evaluated 2025-08-25.

Conditions:
Myopathy, lactic acidosis, and sideroblastic anemia. Also called: Mitochondrial myopathy and sideroblastic anemia; Myopathy with lactic acidosis and sideroblastic anemia. Identifiers: Orphanet 2598, MedGen C1838103, MONDO:0000863.
Myopathy, lactic acidosis, and sideroblastic anemia 1 (MLASA1). Identifiers: Orphanet 2598, MedGen C4551958, MONDO:0024553, OMIM 600462.

Allele frequency attached by ClinVar (database versions not stated): ExAC 0.00001; gnomAD exomes 0.00001 and 0.00002; gnomAD 0.00003; TOPMed 0.00003.
gnomAD v4.1: 34 of 1,613,376 alleles (0.0021%); highest among the groups gnomAD compares: Middle Eastern, 0.018%; no homozygotes.

Submissions (7):

Labcorp Genetics (formerly Invitae), Labcorp
Classification: Pathogenic. Last evaluated: 2025-08-25. Review status: criteria provided, single submitter. Criteria: Invitae Variant Classification Sherloc (09022015). Collection method: clinical testing. Allele origin: germline.
Comment: This sequence change replaces arginine, which is basic and polar, with tryptophan, which is neutral and slightly polar, at codon 144 of the PUS1 protein (p.Arg144Trp). This variant is present in population databases (rs104894371, gnomAD 0.007%). This missense change has been observed in individuals with mitochondrial myopathy and sideroblastic anemia (MLASA) (PMID: 15108122, 15971356). It has also been observed to segregate with disease in related individuals. ClinVar contains an entry for this variant (Variation ID: 2536). Invitae Evidence Modeling of protein sequence and biophysical properties (such as structural, functional, and spatial information, amino acid conservation, physicochemical variation, residue mobility, and thermodynamic stability) indicates that this missense variant is expected to disrupt PUS1 protein function with a positive predictive value of 80%. For these reasons, this variant has been classified as Pathogenic.

Natera, Inc.
Classification: Pathogenic for Mitochondrial myopathy and sideroblastic anemia. Last evaluated: 2025-03-02. Review status: criteria provided, single submitter. Criteria: Natera Variant Classification Schema (03/2026). Collection method: clinical testing. Allele origin: germline.
Comment: The c.430C>T variant in PUS1 is a missense variant predicted to cause substitution of arginine to tryptophan at amino acid 144. This variant is rare in the general population with a frequency below the threshold expected for the associated phenotype(s). This variant has been observed in one or more individuals affected with the associated recessive disease, as either homozygous or compound heterozygous with a second variant (PMID: 15971356, 39148116). Additionally, this variant has been observed to segregate in affected family members (PMID: 15108122). Functional studies show that this variant may disrupt protein function (PMID: 38450158). Computational prediction algorithms indicate this variant is likely to affect gene or protein function. Given the available evidence, this variant is classified as Pathogenic.

Myriad Genetics, Inc.
Classification: Likely pathogenic for Myopathy, lactic acidosis, and sideroblastic anemia 1. Last evaluated: 2025-02-19. Review status: criteria provided, single submitter. Criteria: Myriad Autosomal Dominant, Autosomal Recessive and X-Linked Classification Criteria (2023). Collection method: clinical testing. Allele origin: unknown.
Comment: NM_025215.5(PUS1):c.430C>T(R144W) is a missense variant classified as likely pathogenic in the context of myopathy, lactic acidosis, and sideroblastic anemia 1. R144W has been observed in cases with relevant disease (PMID: 39148116, 15971356, 15108122, 19731322). Relevant functional assessments of this variant are available in the literature (PMID: 38450158). R144W has been observed in referenced population frequency databases. In summary, NM_025215.5(PUS1):c.430C>T(R144W) is a missense variant that has been observed more frequently in cases with the relevant disease than in healthy populations. Please note: this variant was assessed in the context of healthy population screening.

Fulgent Genetics
Classification: Pathogenic for Myopathy, lactic acidosis, and sideroblastic anemia 1. Last evaluated: 2024-03-04. Review status: criteria provided, single submitter. Criteria: ACMG Guidelines, 2015. Collection method: clinical testing. Allele origin: germline.

Women's Health and Genetics/Laboratory Corporation of America, LabCorp
Classification: Pathogenic for Myopathy, lactic acidosis, and sideroblastic anemia 1. Last evaluated: 2022-11-29. Review status: criteria provided, single submitter. Criteria: LabCorp Variant Classification Summary - May 2015. Collection method: clinical testing. Allele origin: germline.
Comment: Variant summary: PUS1 c.430C>T (p.Arg144Trp) results in a non-conservative amino acid change in the encoded protein sequence, altering a highly conserved amino acid within the catalytic center of the protein (Bykhovskaya_2004). Five of five in-silico tools predict a damaging effect of the variant on protein function. The variant allele was found at a frequency of 7.9e-06 in 252926 control chromosomes. c.430C>T has been reported in the literature in multiple individuals affected with Mitochondrial myopathy and sideroblastic anaemia, with evidence of cosegregation (Bykhovskaya_2004, Zeharia_2005). These data indicate that the variant is very likely to be associated with disease. Patient derived cell lines and in vitro functional assays suggest this substitution results in a loss of pseudouridine synthase activity (Patton_2005, Sibert_2008). One clinical diagnostic laboratory has submitted clinical-significance assessments for this variant to ClinVar after 2014 without evidence for independent evaluation, classifying the variant as pathogenic. Based on the evidence outlined above, the variant was classified as pathogenic.

Neuberg Centre For Genomic Medicine, NCGM
Classification: Pathogenic for Myopathy, lactic acidosis, and sideroblastic anemia 1. Review status: criteria provided, single submitter. Criteria: ACMG Guidelines, 2015. Collection method: clinical testing. Allele origin: germline. Inheritance: Autosomal recessive inheritance. Affected: yes.
Comment: The observed missense c.430C>T (p.Arg144Trp) variant in PUS1 gene has been reported previously in individuals affected with PUS1-related disorders (Bykhovskaya et al., 2004). It has also been observed to segregate with disease in related individuals. Patient derived cell lines and in vitro functional assays suggest this substitution results in a loss of pseudouridine synthase activity (Patton et al., 2005; Sibert et al., 2008). The p.Arg144Trp variant is present with allele frequency of 0.0008% in gnomAD Exomes. This variant has been submitted to the ClinVar database as Pathogenic. Multiple lines of computational evidence (Polyphen - Probably Damaging, SIFT - Damaging and MutationTaster - Disease causing) predict a damaging effect on protein structure and function for this variant. The amino acid change p.Arg144Trp in PUS1 is predicted as conserved by GERP++ and PhyloP across 100 vertebrates. The amino acid Arg at position 144 is changed to a Trp changing protein sequence and it might alter its composition and physico-chemical properties. For these reasons, this variant has been classified as Pathogenic.

OMIM
Classification: Pathogenic for MYOPATHY, LACTIC ACIDOSIS, AND SIDEROBLASTIC ANEMIA 1. Last evaluated: 2004-06-01. Review status: no assertion criteria provided. Collection method: literature only. Allele origin: germline. Not counted in ClinVar's aggregate classification.

Literature cited by the submitters: PubMed 15108122 (cited by 5 submitters); PubMed 15971356 (cited by 4 submitters); PubMed 39148116 (cited by Natera, Inc. and Myriad Genetics, Inc.); PubMed 38450158 (cited by Natera, Inc. and Myriad Genetics, Inc.); PubMed 19731322 (cited by Myriad Genetics, Inc.); PubMed 15772074 (cited by Women's Health and Genetics/Laboratory Corporation of America, LabCorp); PubMed 18648068 (cited by Women's Health and Genetics/Laboratory Corporation of America, LabCorp); PubMed 7726239 (cited by OMIM); PubMed 14981724 (cited by OMIM).

NM_025215.6(PUS1):c.430C>T (p.Arg144Trp)

Genes: PUS1 (pseudouridine synthase 1; plus strand), LOC132090059 (Neanderthal introgressed variant-containing enhancer experimental_25941; plus strand). Cytogenetic location: 12q24.33.
Variant type: single nucleotide variant.
Coding change: c.430C>T on transcript NM_025215.6 (MANE Select); coding-DNA position 430, C replaced by T.
Protein change: p.Arg144Trp; replaces arginine 144 with tryptophan.
Molecular consequence: missense variant.
Genome position (GRCh38, 1-based): chr12:131,932,301, C>T. VCF-style: chr12-131932301-C-T. GRCh37 (hg19) VCF-style: chr12-132416846-C-T.
Other names: c.346C>T, p.Arg116Trp (NM_001002019.3, NM_001002020.3); short protein forms R116W, R144W.
Identifiers: ClinVar variation 2536 (VCV000002536.18), dbSNP rs104894371, ClinGen allele CA115605.